The following is an entry in ClinVar:

ClinVar aggregate classification (germline): Uncertain significance (1 of 4 stars; one submission).

gnomAD v4.1: 1 of 1,613,558 alleles (0.000062%); highest among the groups gnomAD compares: Non-Finnish European, 0.000085%; no homozygotes.

Submission:

GeneDx
Classification: Uncertain significance. Last evaluated: 2024-12-13. Review status: criteria provided, single submitter. Criteria: GeneDx Variant Classification Process June 2021. Collection method: clinical testing. Allele origin: germline. Affected: yes.
Comment: Not observed at significant frequency in large population cohorts (gnomAD); In silico analysis supports that this missense variant has a deleterious effect on protein structure/function; Has not been previously published as pathogenic or benign to our knowledge

NM_001454.4(FOXJ1):c.509G>A (p.Arg170His)

Gene: FOXJ1 (forkhead box J1; minus strand). Cytogenetic location: 17q25.1.
Variant type: single nucleotide variant.
Coding change: c.509G>A on transcript NM_001454.4 (MANE Select); coding-DNA position 509, G replaced by A.
Protein change: p.Arg170His; replaces arginine 170 with histidine.
Molecular consequence: missense variant.
Genome position (GRCh38, 1-based): chr17:76,138,110, C>T on the plus strand (G>A on the coding strand, the complement: FOXJ1 is on the minus strand). VCF-style: chr17-76138110-C-T. GRCh37 (hg19) VCF-style: chr17-74134191-C-T.
Other names: short protein forms R170H.
Identifiers: ClinVar variation 3902942 (VCV003902942.1).